The following is an entry in ClinVar:

ClinVar aggregate classification (germline): Uncertain significance. Review status: criteria provided, multiple submitters, no conflicts (2 of 4 stars). 2 submissions from 2 submitters: Uncertain significance (2). Last evaluated 2026-09-01.

Allele frequency attached by ClinVar (database versions not stated): TOPMed below 0.00001; gnomAD exomes 0.00001 and 0.00002; ExAC 0.00003; ESP Exome Variant Server 0.00008.
gnomAD v4.1: 20 of 1,613,228 alleles (0.0012%); highest among the groups gnomAD compares: South Asian, 0.0088%; no homozygotes.

Submissions (2):

CeGaT Center for Human Genetics Tuebingen
Classification: Uncertain significance. Last evaluated: 2026-09-01. Review status: criteria provided, single submitter. Criteria: CeGaT Center For Human Genetics Tuebingen Variant Classification Criteria Version 2. Collection method: clinical testing. Allele origin: germline. Affected: yes. Observed: 1 variant allele.
Comment: SMO: PM2, PP3

Institute for Clinical Genetics, University Hospital TU Dresden, University Hospital TU Dresden
Classification: Uncertain significance. Last evaluated: 2021-11-03. Review status: criteria provided, single submitter. Criteria: ACMG Guidelines, 2015. Collection method: clinical testing. Allele origin: germline.

NM_005631.5(SMO):c.1684C>T (p.Arg562Trp)

Gene: SMO (smoothened, frizzled class receptor; plus strand). Cytogenetic location: 7q32.1.
Variant type: single nucleotide variant.
Coding change: c.1684C>T on transcript NM_005631.5 (MANE Select); coding-DNA position 1684, C replaced by T.
Protein change: p.Arg562Trp; replaces arginine 562 with tryptophan.
Molecular consequence: missense variant.
Genome position (GRCh38, 1-based): chr7:129,210,996, C>T. VCF-style: chr7-129210996-C-T. GRCh37 (hg19) VCF-style: chr7-128850837-C-T.
Other names: short protein forms R562W.
Identifiers: ClinVar variation 1319864 (VCV001319864.4), dbSNP rs138072219, ClinGen allele CA4479462.
Genomic context (GRCh38, chr7:129,210,996, plus strand): 5'-CGCTCCTTCCCTATCCCTTCTGCTCTCAGGTTGACTGGGCAGAGTGACGATGAGCCAAAG[C>T]GGATCAAGAAGAGCAAGATGATTGCCAAGGCCTTCTCTAAGCGGCACGAGCTCCTGCAGA-3'
Protein context (NP_005622.1, residues 552-572): LTGQSDDEPK[Arg562Trp]IKKSKMIAKA